The following is an entry in ClinVar:

NM_005912.3(MC4R):c.459T>C (p.Tyr153=)

Gene: MC4R (melanocortin 4 receptor; minus strand). Cytogenetic location: 18q21.32.
Variant type: single nucleotide variant.
Coding change: c.459T>C on transcript NM_005912.3 (MANE Select); coding-DNA position 459, T replaced by C.
Protein change: p.Tyr153=; no amino-acid change (tyrosine 153 retained).
Molecular consequence: synonymous variant.
Genome position (GRCh38, 1-based): chr18:60,371,891, A>G on the plus strand (T>C on the coding strand, the complement: MC4R is on the minus strand). VCF-style: chr18-60371891-A-G. GRCh37 (hg19) VCF-style: chr18-58039124-A-G.
Identifiers: ClinVar variation 3356641 (VCV003356641.1).
Genomic context (GRCh38, chr18:60,371,891, plus strand): 5'-GATACAACTTATGATGATCCCAACCCGCTTAACTGTCATAATGTTATGGTACTGGAGAGC[A>G]TAGAAGATAGTAAAGTACCTGTCCACTGCAATTGAAAGCAGGCTGCAAATGGATGCAAGC-3'
Protein context (NP_005903.2, residues 143-163): IAVDRYFTIF[Tyr153=]ALQYHNIMTV

ClinVar aggregate classification (germline): Likely benign (0 of 4 stars; one submission).

Conditions:
MC4R-related disorder. Also called: MC4R-related condition.

Submission:

PreventionGenetics, part of Exact Sciences
Classification: Likely benign for MC4R-related condition. Last evaluated: 2023-04-21. Review status: no assertion criteria provided. Collection method: clinical testing. Allele origin: germline.
Comment: This variant is classified as likely benign based on ACMG/AMP sequence variant interpretation guidelines (Richards et al. 2015 PMID: 25741868, with internal and published modifications).